The following is an entry in ClinVar:

ClinVar aggregate classification (germline): Benign/Likely benign. Review status: criteria provided, multiple submitters, no conflicts (2 of 4 stars). 3 submissions from 3 submitters: Benign (1); Likely benign (2). Last evaluated 2024-05-16.

Conditions:
Familial cancer of breast. Also called: Hereditary breast cancer; BREAST CANCER, FAMILIAL; hereditary breast carcinoma. Identifiers: Orphanet 227535, MedGen C0346153, MONDO:0016419, OMIM 114480. Disease mechanism: loss of function.
Ataxia-telangiectasia syndrome (AT). Also called: Ataxia telangiectasia (A-T); Cerebello-oculocutaneous telangiectasia; Immunodeficiency with ataxia telangiectasia; LOUIS-BAR SYNDROME; ATAXIA-TELANGIECTASIA, FRESNO VARIANT; Ataxia-telangiectasia, complementation group D. Identifiers: Orphanet 100, MedGen C0004135, MONDO:0008840, OMIM 208900.
Hereditary cancer-predisposing syndrome. Also called: Tumor predisposition; Hereditary Cancer Syndrome; Neoplastic Syndromes, Hereditary; Hereditary neoplastic syndrome. Identifiers: Orphanet 140162, MedGen C0027672, MeSH D009386, MONDO:0015356.

Submissions (3):

Myriad Genetics, Inc.
Classification: Benign for Familial cancer of breast. Last evaluated: 2024-05-16. Review status: criteria provided, single submitter. Criteria: Myriad Autosomal Dominant, Autosomal Recessive and X-Linked Classification Criteria (2023). Collection method: clinical testing. Allele origin: unknown.
Comment: This variant is considered benign. This variant is a silent/synonymous amino acid change and it is not expected to impact splicing.

Labcorp Genetics (formerly Invitae), Labcorp
Classification: Likely benign for Ataxia-telangiectasia syndrome. Last evaluated: 2024-01-24. Review status: criteria provided, single submitter. Criteria: Invitae Variant Classification Sherloc (09022015). Collection method: clinical testing. Allele origin: germline.

Ambry Genetics
Classification: Likely benign for Hereditary cancer-predisposing syndrome. Last evaluated: 2020-03-22. Review status: criteria provided, single submitter. Criteria: Ambry Variant Classification Scheme 2023. Collection method: clinical testing. Allele origin: germline.

NM_000051.4(ATM):c.4083G>A (p.Gln1361=)

Gene: ATM (ATM serine/threonine kinase; plus strand). Cytogenetic location: 11q22.3.
Variant type: single nucleotide variant.
Coding change: c.4083G>A on transcript NM_000051.4 (MANE Select); coding-DNA position 4083, G replaced by A.
Protein change: p.Gln1361=; no amino-acid change (glutamine 1361 retained).
Molecular consequence: synonymous variant.
Genome position (GRCh38, 1-based): chr11:108,287,689, G>A. VCF-style: chr11-108287689-G-A. GRCh37 (hg19) VCF-style: chr11-108158416-G-A.
Other names: c.4083G>A, p.Gln1361= (NM_001351834.2).
Identifiers: ClinVar variation 757857 (VCV000757857.12), dbSNP rs863224570, ClinGen allele CA476673604.